The following is an entry in ClinVar:

ClinVar aggregate classification (germline): Uncertain significance (1 of 4 stars; one submission).

Allele frequency attached by ClinVar (database versions not stated): gnomAD exomes below 0.00001; gnomAD 0.00001.

Submission:

Labcorp Genetics (formerly Invitae), Labcorp
Classification: Uncertain significance. Last evaluated: 2024-08-29. Review status: criteria provided, single submitter. Criteria: Invitae Variant Classification Sherloc (09022015). Collection method: clinical testing. Allele origin: germline.
Comment: This sequence change falls in intron 9 of the IMPDH1 gene. It does not directly change the encoded amino acid sequence of the IMPDH1 protein. It affects a nucleotide within the consensus splice site. The frequency data for this variant in the population databases is considered unreliable, as metrics indicate poor data quality at this position in the gnomAD database. This variant has not been reported in the literature in individuals affected with IMPDH1-related conditions. ClinVar contains an entry for this variant (Variation ID: 1483692). Variants that disrupt the consensus splice site are a relatively common cause of aberrant splicing (PMID: 17576681, 9536098). Algorithms developed to predict the effect of sequence changes on RNA splicing suggest that this variant is not likely to affect RNA splicing. In summary, the available evidence is currently insufficient to determine the role of this variant in disease. Therefore, it has been classified as a Variant of Uncertain Significance.

Literature cited by the submitters: PubMed 17576681; PubMed 9536098.

NM_000883.4(IMPDH1):c.874+5C>T

Gene: IMPDH1 (inosine monophosphate dehydrogenase 1; minus strand). Cytogenetic location: 7q32.1.
Variant type: single nucleotide variant.
Coding change: c.874+5C>T on transcript NM_000883.4 (MANE Select); 5 bases into the intron after coding-DNA position 874, C replaced by T.
Molecular consequence: intron variant.
Genome position (GRCh38, 1-based): chr7:128,400,090, G>A on the plus strand (C>T on the coding strand, the complement: IMPDH1 is on the minus strand). VCF-style: chr7-128400090-G-A. GRCh37 (hg19) VCF-style: chr7-128040144-G-A.
Other names: c.667+5C>T (NM_001304521.2); c.766+5C>T (NM_183243.3); c.844+5C>T (NM_001102605.2); c.775+5C>T (NM_001142576.2); c.544+5C>T (NM_001142575.2); c.604+5C>T (NM_001142574.2); c.619+5C>T (NM_001142573.2).
Identifiers: ClinVar variation 1483692 (VCV001483692.8), dbSNP rs1184864676, ClinGen allele CA577707656.